The following is an entry in ClinVar:

NM_001082538.3(TCTN1):c.899G>A (p.Arg300Gln)

Gene: TCTN1 (tectonic family member 1; plus strand). Cytogenetic location: 12q24.11.
Variant type: single nucleotide variant.
Coding change: c.899G>A on transcript NM_001082538.3 (MANE Select); coding-DNA position 899, G replaced by A.
Protein change: p.Arg300Gln; replaces arginine 300 with glutamine.
Molecular consequence: missense variant. On other transcripts: non-coding transcript variant (1).
Genome position (GRCh38, 1-based): chr12:110,640,438, G>A. VCF-style: chr12-110640438-G-A. GRCh37 (hg19) VCF-style: chr12-111078243-G-A.
Other names: c.899G>A, p.Arg300Gln (NM_001082537.3, NM_001319680.2); c.731G>A, p.Arg244Gln (NM_001173975.3); c.719G>A, p.Arg240Gln (NM_001173976.2); c.365G>A, p.Arg122Gln (NM_001319681.2); c.857G>A, p.Arg286Gln (NM_024549.6); short protein forms R122Q, R300Q, R244Q, R286Q, R240Q.
Identifiers: ClinVar variation 1356792 (VCV001356792.8), dbSNP rs746946452, ClinGen allele CA243565017.

ClinVar aggregate classification (germline): Uncertain significance (1 of 4 stars; one submission).

Conditions:
Joubert syndrome. Also called: CEREBELLOPARENCHYMAL DISORDER IV; JOUBERT-BOLTSHAUSER SYNDROME; Familial aplasia of the vermis. Identifiers: Orphanet 475, MedGen C5979921, MONDO:0018772.
Meckel-Gruber syndrome. Also called: DYSENCEPHALIA SPLANCHNOCYSTICA; GRUBER SYNDROME; Dysencephalia splachnocystica. Identifiers: Orphanet 564, MedGen C0265215, MONDO:0018921.

Allele frequency attached by ClinVar (database versions not stated): gnomAD 0.00001; gnomAD exomes 0.00001; TOPMed 0.00001.
gnomAD v4.1: 21 of 1,614,014 alleles (0.0013%); highest among the groups gnomAD compares: Admixed American, 0.0033%; no homozygotes.

Submission:

Labcorp Genetics (formerly Invitae), Labcorp
Classification: Uncertain significance for Joubert syndrome; Meckel-Gruber syndrome. Last evaluated: 2025-06-30. Review status: criteria provided, single submitter. Criteria: Invitae Variant Classification Sherloc (09022015). Collection method: clinical testing. Allele origin: germline.
Comment: This sequence change replaces arginine, which is basic and polar, with glutamine, which is neutral and polar, at codon 300 of the TCTN1 protein (p.Arg300Gln). This variant is present in population databases (rs746946452, gnomAD 0.0009%). This variant has not been reported in the literature in individuals affected with TCTN1-related conditions. ClinVar contains an entry for this variant (Variation ID: 1356792). Invitae Evidence Modeling of protein sequence and biophysical properties (such as structural, functional, and spatial information, amino acid conservation, physicochemical variation, residue mobility, and thermodynamic stability) indicates that this missense variant is not expected to disrupt TCTN1 protein function with a negative predictive value of 80%. In summary, the available evidence is currently insufficient to determine the role of this variant in disease. Therefore, it has been classified as a Variant of Uncertain Significance.